The following is an entry in ClinVar:

ClinVar aggregate classification (germline): Uncertain significance. Review status: criteria provided, multiple submitters, no conflicts (2 of 4 stars). 4 submissions from 4 submitters: Uncertain significance (4). Last evaluated 2025-02-26.

Conditions:
Aortic aneurysm, familial thoracic 7 (AAT7). Also called: AORTIC DISSECTION, FAMILIAL, WITH OR WITHOUT AORTIC ANEURYSM. Identifiers: MedGen C3151077, MONDO:0013418, OMIM 613780.
Familial thoracic aortic aneurysm and aortic dissection (TAAD). Also called: Thoracic aortic aneurysms and dissections. Identifiers: Orphanet 91387, MedGen C4707243, MONDO:0019625.

Allele frequency attached by ClinVar (database versions not stated): gnomAD exomes 0.00001 and 0.00002; TOPMed 0.00002; ExAC 0.00001; gnomAD 0.00001.
gnomAD v4.1: 18 of 1,614,062 alleles (0.0011%); highest among the groups gnomAD compares: East Asian, 0.011%; no homozygotes.

Submissions (4):

Labcorp Genetics (formerly Invitae), Labcorp
Classification: Uncertain significance for Aortic aneurysm, familial thoracic 7. Last evaluated: 2025-02-26. Review status: criteria provided, single submitter. Criteria: Invitae Variant Classification Sherloc (09022015). Collection method: clinical testing. Allele origin: germline.
Comment: This sequence change replaces threonine, which is neutral and polar, with methionine, which is neutral and non-polar, at codon 692 of the MYLK protein (p.Thr692Met). This variant is present in population databases (rs776858093, gnomAD 0.02%). This variant has not been reported in the literature in individuals affected with MYLK-related conditions. ClinVar contains an entry for this variant (Variation ID: 1329330). Invitae Evidence Modeling of protein sequence and biophysical properties (such as structural, functional, and spatial information, amino acid conservation, physicochemical variation, residue mobility, and thermodynamic stability) indicates that this missense variant is not expected to disrupt MYLK protein function with a negative predictive value of 80%. In summary, the available evidence is currently insufficient to determine the role of this variant in disease. Therefore, it has been classified as a Variant of Uncertain Significance.

Ambry Genetics
Classification: Uncertain significance for Familial thoracic aortic aneurysm and aortic dissection. Last evaluated: 2024-02-24. Review status: criteria provided, single submitter. Criteria: Ambry Variant Classification Scheme 2023. Collection method: clinical testing. Allele origin: germline.
Comment: The p.T692M variant (also known as c.2075C>T), located in coding exon 12 of the MYLK gene, results from a C to T substitution at nucleotide position 2075. The threonine at codon 692 is replaced by methionine, an amino acid with similar properties. This amino acid position is conserved. In addition, this alteration is predicted to be tolerated by in silico analysis. Based on the available evidence, the clinical significance of this alteration remains unclear.

GeneDx
Classification: Uncertain significance. Last evaluated: 2024-02-01. Review status: criteria provided, single submitter. Criteria: GeneDx Variant Classification Process June 2021. Collection method: clinical testing. Allele origin: germline. Affected: yes.
Comment: Has not been previously published as pathogenic or benign to our knowledge; Not observed at significant frequency in large population cohorts (gnomAD); In silico analysis supports that this missense variant does not alter protein structure/function

CHEO Genetics Diagnostic Laboratory, Children's Hospital of Eastern Ontario
Classification: Uncertain significance for Familial thoracic aortic aneurysm and aortic dissection. Last evaluated: 2019-07-17. Review status: criteria provided, single submitter. Criteria: ACMG Guidelines, 2015. Collection method: clinical testing. Allele origin: germline.

NM_053025.4(MYLK):c.2075C>T (p.Thr692Met)

Gene: MYLK (myosin light chain kinase; minus strand). Cytogenetic location: 3q21.1.
Variant type: single nucleotide variant.
Coding change: c.2075C>T on transcript NM_053025.4 (MANE Select); coding-DNA position 2075, C replaced by T.
Protein change: p.Thr692Met; replaces threonine 692 with methionine.
Molecular consequence: missense variant.
Genome position (GRCh38, 1-based): chr3:123,708,763, G>A on the plus strand (C>T on the coding strand, the complement: MYLK is on the minus strand). VCF-style: chr3-123708763-G-A. GRCh37 (hg19) VCF-style: chr3-123427610-G-A.
Other names: c.1547C>T, p.Thr516Met (NM_001321309.2); c.1868C>T, p.Thr623Met (NM_053026.4, NM_053028.4); c.2075C>T, p.Thr692Met (NM_053027.4); short protein forms T516M, T623M, T692M.
Identifiers: ClinVar variation 1329330 (VCV001329330.5), dbSNP rs776858093, ClinGen allele CA067988.